The following is an entry in ClinVar:

ClinVar aggregate classification (germline): Uncertain significance. Review status: criteria provided, multiple submitters, no conflicts (2 of 4 stars). 2 submissions from 2 submitters: Uncertain significance (2). Last evaluated 2026-02-12.

Conditions:
Intellectual developmental disorder, autosomal dominant 44, with microcephaly. Also called: Micrognathia-recurrent infections-behavioral abnormalities-mild intellectual disability syndrome; TRIO-Related Intellectual Disability. Identifiers: Orphanet 476126, MedGen C4310740, MONDO:0014892, OMIM 617061.
TRIO-related disorder. Also called: TRIO-related condition; TRIO-related disorders.

Allele frequency attached by ClinVar (database versions not stated): gnomAD exomes below 0.00001.
gnomAD v4.1: 1 of 1,579,002 alleles (0.000063%); highest among the groups gnomAD compares: Non-Finnish European, 0.000087%; no homozygotes.

Submissions (2):

PreventionGenetics, part of Exact Sciences
Classification: Uncertain significance for TRIO-related condition. Last evaluated: 2026-02-12. Review status: criteria provided, single submitter. Criteria: ACMG Guidelines, 2015. Collection method: clinical testing. Allele origin: germline.
Comment: The TRIO c.6818A>G variant is predicted to result in the amino acid substitution p.Gln2273Arg. To our knowledge, this variant has not been reported in the literature or in a large population database (gnomAD), indicating this variant is rare. Although we suspect that this variant may be benign, at this time, the clinical significance of this variant is uncertain due to the absence of conclusive functional and genetic evidence.

Victorian Clinical Genetics Services, Murdoch Childrens Research Institute
Classification: Uncertain significance for Intellectual developmental disorder, autosomal dominant 44, with microcephaly. Last evaluated: 2019-08-28. Review status: criteria provided, single submitter. Criteria: ACMG Guidelines, 2015. Collection method: clinical testing. Allele origin: germline. Inheritance: Autosomal dominant inheritance. Affected: yes.
Comment: A heterozygous missense variant, NM_007118.3(TRIO):c.6818A>G, has been identified in exon 47 of 57 of the TRIO gene. The variant is predicted to result in a minor amino acid change from glutamine to arginine at position 2273 of the protein (NP_009049.2(TRIO):p.(Gln2273Arg)). The glutamine residue at this position has high conservation (100 vertebrates, UCSC), and is located within the Galpha i/q binding site of PH domain. In silico predictions of pathogenicity for this variant are conflicting (Polyphen, SIFT, CADD, Mutation Taster). The variant is absent in population databases (gnomAD) and has not been previously reported in clinical cases. Based on the information available at the time of curation, this variant has been classified as a VARIANT of UNCERTAIN SIGNIFICANCE (VUS).

NM_007118.4(TRIO):c.6818A>G (p.Gln2273Arg)

Gene: TRIO (trio Rho guanine nucleotide exchange factor; plus strand). Cytogenetic location: 5p15.2.
Variant type: single nucleotide variant.
Coding change: c.6818A>G on transcript NM_007118.4 (MANE Select); coding-DNA position 6818, A replaced by G.
Protein change: p.Gln2273Arg; replaces glutamine 2273 with arginine.
Molecular consequence: missense variant. On other transcripts: non-coding transcript variant (1).
Genome position (GRCh38, 1-based): chr5:14,485,229, A>G. VCF-style: chr5-14485229-A-G. GRCh37 (hg19) VCF-style: chr5-14485338-A-G.
Other names: short protein forms Q2273R.
Identifiers: ClinVar variation 1804901 (VCV001804901.2), dbSNP rs2477434232, ClinGen allele CA359236210.